The following is an entry in ClinVar:

NM_003801.4(GPAA1):c.1104C>T (p.Phe368=)

Gene: GPAA1 (glycosylphosphatidylinositol anchor attachment 1; plus strand). Cytogenetic location: 8q24.3.
Variant type: single nucleotide variant.
Coding change: c.1104C>T on transcript NM_003801.4 (MANE Select); coding-DNA position 1104, C replaced by T.
Protein change: p.Phe368=; no amino-acid change (phenylalanine 368 retained).
Molecular consequence: synonymous variant.
Genome position (GRCh38, 1-based): chr8:144,084,815, C>T. VCF-style: chr8-144084815-C-T. GRCh37 (hg19) VCF-style: chr8-145139718-C-T.
Identifiers: ClinVar variation 1583279 (VCV001583279.32), dbSNP rs371058225, ClinGen allele CA4933042.

ClinVar aggregate classification (germline): Likely benign. Review status: criteria provided, multiple submitters, no conflicts (2 of 4 stars). 2 submissions from 2 submitters: Likely benign (2). Last evaluated 2025-07-20.

Allele frequency attached by ClinVar (database versions not stated): gnomAD 0.00007 and 0.00008; ESP Exome Variant Server 0.00008; TOPMed 0.00012.
gnomAD v4.1: 269 of 1,613,572 alleles (0.017%); highest among the groups gnomAD compares: Non-Finnish European, 0.021%; no homozygotes.

Submissions (2):

Labcorp Genetics (formerly Invitae), Labcorp
Classification: Likely benign. Last evaluated: 2025-07-20. Review status: criteria provided, single submitter. Criteria: Invitae Variant Classification Sherloc (09022015). Collection method: clinical testing. Allele origin: germline.

CeGaT Center for Human Genetics Tuebingen
Classification: Likely benign. Last evaluated: 2022-10-01. Review status: criteria provided, single submitter. Criteria: CeGaT Center For Human Genetics Tuebingen Variant Classification Criteria Version 2. Collection method: clinical testing. Allele origin: germline. Affected: yes. Observed: 1 variant allele.
Comment: GPAA1: BP4, BP7